The following is an entry in ClinVar:

ClinVar aggregate classification (germline): Uncertain significance (1 of 4 stars; one submission).

gnomAD v4.1: 36 of 1,189,812 alleles (0.003%); highest among the groups gnomAD compares: Non-Finnish European, 0.0038%; no homozygotes.

Submission:

Ambry Genetics
Classification: Uncertain significance. Last evaluated: 2026-03-02. Review status: criteria provided, single submitter. Criteria: Ambry Variant Classification Scheme 2023. Collection method: clinical testing. Allele origin: germline.
Comment: The c.782C>A (p.A261E) alteration is located in exon 1 (coding exon 1) of the LONRF3 gene. This alteration results from a C to A substitution at nucleotide position 782, causing the alanine (A) at amino acid position 261 to be replaced by a glutamic acid (E). Based on data from gnomAD, the A allele has an overall frequency of 0.001% (1/141998) total alleles studied. The highest observed frequency was 0.002% (1/60692) of European (non-Finnish) alleles. Based on insufficient or conflicting evidence, the clinical significance of this alteration remains unclear.

NM_001031855.3(LONRF3):c.782C>A (p.Ala261Glu)

Gene: LONRF3 (LON peptidase N-terminal domain and ring finger 3; plus strand). Cytogenetic location: Xq24.
Variant type: single nucleotide variant.
Coding change: c.782C>A on transcript NM_001031855.3 (MANE Select); coding-DNA position 782, C replaced by A.
Protein change: p.Ala261Glu; replaces alanine 261 with glutamic acid.
Molecular consequence: missense variant. On other transcripts: non-coding transcript variant (1).
Genome position (GRCh38, 1-based): chrX:118,975,562, C>A. VCF-style: chrX-118975562-C-A. GRCh37 (hg19) VCF-style: chrX-118109525-C-A.
Other names: c.782C>A, p.Ala261Glu (NM_024778.5); short protein forms A261E.
Identifiers: ClinVar variation 4832169 (VCV004832169.1).